The following is an entry in ClinVar:

ClinVar aggregate classification (germline): Pathogenic. Review status: reviewed by expert panel (3 of 4 stars). 11 submissions from 11 submitters: Pathogenic (1). 10 of the submissions do not count toward it. Last evaluated 2023-09-05.

Conditions:
ATM-related cancer predisposition. Also called: ATM-related cancer susceptibility. Identifiers: MedGen CN377759, MONDO:0700270.
Ataxia-telangiectasia syndrome (AT). Also called: Cerebello-oculocutaneous telangiectasia; Immunodeficiency with ataxia telangiectasia; Ataxia-telangiectasia, complementation group E; Ataxia telangiectasia (A-T); Ataxia-telangiectasia, complementation group D; AT, COMPLEMENTATION GROUP C. Identifiers: Orphanet 100, MedGen C0004135, MONDO:0008840, OMIM 208900.
Familial cancer of breast. Also called: BREAST CANCER, FAMILIAL; Hereditary breast cancer; hereditary breast carcinoma. Identifiers: Orphanet 227535, MedGen C0346153, MONDO:0016419, OMIM 114480. Disease mechanism: loss of function.
Hereditary cancer-predisposing syndrome. Also called: Hereditary Cancer Syndrome; Neoplastic Syndromes, Hereditary; Tumor predisposition; Hereditary neoplastic syndrome. Identifiers: Orphanet 140162, MedGen C0027672, MeSH D009386, MONDO:0015356.

Submissions (11):

ClinGen Hereditary Breast, Ovarian and Pancreatic Cancer Variant Curation Expert Panel, ClinGen
Classification: Pathogenic for ATM-related cancer predisposition. Last evaluated: 2023-09-05. Review status: reviewed by expert panel. Criteria: clingen hbop acmg specifications atm v1-1. Collection method: curation. Allele origin: germline. Inheritance: Autosomal dominant inheritance.
Comment: The c.217_218del (p.Glu73Metfs*26) variant in ATM is a frameshift variant in a biologically-relevant-exon predicted to cause a premature stop codon leading to nonsense mediated decay in a gene in which loss-of-function is an established disease mechanism. This alteration results in a termination codon upstream of the most C-terminus pathogenic alteration (ATM p.Arg3047*), as classified by the HBOP VCEP, and is expected to be more deleterious. This variant has been detected in at least 5 individuals with Ataxia-Telangiectasia (PMIDs 26677768; 26896183; 22649200; 10817650). This variant is absent from gnomAD v2.1. In summary, this variant meets criteria to be classified as pathogenic for autosomal dominant hereditary breast cancer and autosomal recessive Ataxia-Telangiectasia based on the ACMG/AMP criteria applied, as specified by the HBOP VCEP. (PVS1, PM5_Supporting, PM3_VeryStrong, PM2_Supporting)

Labcorp Genetics (formerly Invitae), Labcorp
Classification: Pathogenic for Ataxia-telangiectasia syndrome. Last evaluated: 2026-02-02. Review status: criteria provided, single submitter. Criteria: Invitae Variant Classification Sherloc (09022015). Collection method: clinical testing. Allele origin: germline. Not counted in ClinVar's aggregate classification.
Comment: This sequence change creates a premature translational stop signal (p.Glu73Metfs*26) in the ATM gene. It is expected to result in an absent or disrupted protein product. Loss-of-function variants in ATM are known to be pathogenic (PMID: 23807571, 25614872). This variant is present in population databases (rs762089971, gnomAD 0.003%). This premature translational stop signal has been observed in individual(s) with ataxia telangiectasia (PMID: 10817650, 22649200). This variant is also known as 216delAG and c.216_217delAG. ClinVar contains an entry for this variant (Variation ID: 569567). For these reasons, this variant has been classified as Pathogenic.

Ambry Genetics
Classification: Pathogenic for Hereditary cancer-predisposing syndrome. Last evaluated: 2024-04-04. Review status: criteria provided, single submitter. Criteria: Ambry Variant Classification Scheme 2023. Collection method: clinical testing. Allele origin: germline. Not counted in ClinVar's aggregate classification.
Comment: The c.217_218delGA pathogenic mutation, located in coding exon 3 of the ATM gene, results from a deletion of two nucleotides at nucleotide positions 217 to 218, causing a translational frameshift with a predicted alternate stop codon (p.E73Mfs*26). This alteration is expected to result in loss of function by premature protein truncation or nonsense-mediated mRNA decay. As such, this alteration is interpreted as a disease-causing mutation.

Baylor Genetics
Classification: Pathogenic for Familial cancer of breast. Last evaluated: 2024-02-19. Review status: criteria provided, single submitter. Criteria: ACMG Guidelines, 2015. Collection method: clinical testing. Allele origin: unknown. Not counted in ClinVar's aggregate classification.

Myriad Genetics, Inc.
Classification: Pathogenic for Familial cancer of breast. Last evaluated: 2024-01-08. Review status: criteria provided, single submitter. Criteria: Myriad Autosomal Dominant, Autosomal Recessive and X-Linked Classification Criteria (2023). Collection method: clinical testing. Allele origin: unknown. Not counted in ClinVar's aggregate classification.
Comment: This variant is considered pathogenic. This variant creates a frameshift predicted to result in premature protein truncation.

Department of Pathology and Laboratory Medicine, Sinai Health System
Classification: Pathogenic for ATM-related cancer predisposition. Last evaluated: 2023-05-29. Review status: criteria provided, single submitter. Criteria: ACMG Guidelines, 2015. Collection method: clinical testing. Allele origin: germline. Affected: yes. Not counted in ClinVar's aggregate classification.

GeneDx
Classification: Pathogenic. Last evaluated: 2023-02-23. Review status: criteria provided, single submitter. Criteria: GeneDx Variant Classification Process June 2021. Collection method: clinical testing. Allele origin: germline. Affected: yes. Not counted in ClinVar's aggregate classification.
Comment: Frameshift variant predicted to result in protein truncation or nonsense mediated decay in a gene for which loss of function is a known mechanism of disease; Not observed at significant frequency in large population cohorts (gnomAD); Truncating variants in this gene are considered pathogenic by a well-established clinical consortium and/or database; This variant is associated with the following publications: (PMID: 10817650, 29922827, 26896183)

Women's Health and Genetics/Laboratory Corporation of America, LabCorp
Classification: Pathogenic for Ataxia-telangiectasia syndrome. Last evaluated: 2018-04-16. Review status: criteria provided, single submitter. Criteria: LabCorp Variant Classification Summary - May 2015. Collection method: clinical testing. Allele origin: germline. Not counted in ClinVar's aggregate classification.
Comment: Variant summary: ATM c.217_218delGA (p.Glu73MetfsX26) results in a premature termination codon, predicted to cause a truncation of the encoded protein or absence of the protein due to nonsense mediated decay, which are commonly known mechanisms for disease. Truncations downstream of this position have been classified as pathogenic by our laboratory (eg. c.513C>G (p.Tyr171X), c.790delT (p.Tyr264fsX12), and c.1027_1030delGAAA (p.Glu343fsX2)). The variant of interest was observed with an allele frequency of 7.2e-06 in 275964 control chromosomes (gnomAD). This frequency is not significantly higher than expected for a pathogenic variant in ATM causing Ataxia-Telangiectasia (7.2e-06 vs 0.004), allowing no conclusion about variant significance. The variant, c.217_218delGA, has been reported in the literature in individuals affected with Ataxia-Telangiectasia (Li_2000, Carney_2012), which one compound heterozygote pt was found to have no ATM protein expression (Carney_2012). No clinical diagnostic laboratories have submitted clinical-significance assessments for this variant to ClinVar after 2014. Based on the evidence outlined above, the variant was classified as pathogenic.

Juno Genomics, Hangzhou Juno Genomics, Inc
Classification: Pathogenic for Familial cancer of breast; Ataxia-telangiectasia syndrome. Review status: criteria provided, single submitter. Criteria: ACMG Guidelines, 2015. Collection method: clinical testing. Allele origin: germline. Not counted in ClinVar's aggregate classification.
Comment: Absent from controls (or at extremely low frequency if recessive) in Genome Aggregation Database.;Null variant in a gene where loss of function (LOF) is a known mechanism of disease.;For recessive disorders, detected in trans with a pathogenic variant.;Novel missense change at an amino acid residue where a different missense change determined to be pathogenic has been seen before.

University Health Network, Familial Cancer Clinic, Princess Margaret Cancer Centre
Classification: Pathogenic for ATM-related cancer predisposition. Review status: criteria provided, single submitter. Criteria: ACMG Guidelines, 2015. Collection method: clinical testing. Allele origin: germline. Inheritance: Autosomal dominant inheritance. Affected: yes. Observed: 1 variant allele. Not counted in ClinVar's aggregate classification.

Natera, Inc.
Classification: Pathogenic for Ataxia-telangiectasia. Last evaluated: 2020-09-16. Review status: no assertion criteria provided. Collection method: clinical testing. Allele origin: germline. Not counted in ClinVar's aggregate classification.

Literature cited by the submitters: PubMed 23807571 (cited by Labcorp Genetics (formerly Invitae), Labcorp); PubMed 25614872 (cited by Labcorp Genetics (formerly Invitae), Labcorp); PubMed 10817650 (cited by 4 submitters); PubMed 22649200 (cited by 4 submitters); PubMed 23091097 (cited by Ambry Genetics); PubMed 24682267 (cited by Ambry Genetics); PubMed 29922827 (cited by Ambry Genetics).

NM_000051.4(ATM):c.217_218del (p.Glu73fs)

Gene: ATM (ATM serine/threonine kinase; plus strand). Cytogenetic location: 11q22.3.
Variant type: Deletion.
Coding change: c.217_218del on transcript NM_000051.4 (MANE Select); coding-DNA positions 217 to 218, 2 bases deleted (GA; older notation c.217_218delGA).
Protein change: p.Glu73fs; shifts the reading frame from glutamic acid 73.
Molecular consequence: frameshift variant.
Genome position (GRCh38, 1-based): chr11:108,229,209-108,229,210, GA deleted; deleting any 2 consecutive bases within chr11:108,229,208-108,229,210 gives the same sequence; the c. name uses the placement nearest the transcript's 3' end. VCF-style (leftmost placement, unchanged base first): chr11-108229207-CAG-C. GRCh37 (hg19) VCF-style: chr11-108099934-CAG-C.
Other names: NM_000051.4(ATM):c.217_218del; p.Glu73fs; c.217_218del, p.Glu73fs (NM_001351834.2, NM_001351835.2, NM_001351836.2); c.217_218delGA (NM_000051.3); short protein forms E73fs.
Identifiers: ClinVar variation 569567 (VCV000569567.23), dbSNP rs762089971, ClinGen allele CA6264537.
Genomic context (GRCh38, chr11:108,229,207, plus strand): 5'-GTTTCTGAAATTGCATTTTGTTTTCTTGAAGATTTTTACAGAAATATATTCAGAAAGAAA[CAG>C]AATGTCTGAGAATAGCAAAACCAAATGTATCAGCCTCAACACAAGCCTCCAGGCAGAAAA-3'